The following is an entry in ClinVar:

ClinVar aggregate classification (germline): Uncertain significance (1 of 4 stars; one submission).

Conditions:
RASopathy. Also called: Noonan spectrum disorder; rasopathies. Identifiers: Orphanet 536391, MedGen C5555857, MONDO:0021060.

Submission:

Labcorp Genetics (formerly Invitae), Labcorp
Classification: Uncertain significance for RASopathy. Last evaluated: 2022-11-10. Review status: criteria provided, single submitter. Criteria: Invitae Variant Classification Sherloc (09022015). Collection method: clinical testing. Allele origin: germline.
Comment: This sequence change replaces glycine, which is neutral and non-polar, with tryptophan, which is neutral and slightly polar, at codon 476 of the SOS1 protein (p.Gly476Trp). This variant is not present in population databases (gnomAD no frequency). This variant has not been reported in the literature in individuals affected with SOS1-related conditions. Advanced modeling of protein sequence and biophysical properties (such as structural, functional, and spatial information, amino acid conservation, physicochemical variation, residue mobility, and thermodynamic stability) has been performed at Invitae for this missense variant, however the output from this modeling did not meet the statistical confidence thresholds required to predict the impact of this variant on SOS1 protein function. In summary, the available evidence is currently insufficient to determine the role of this variant in disease. Therefore, it has been classified as a Variant of Uncertain Significance.

NM_005633.4(SOS1):c.1426G>T (p.Gly476Trp)

Gene: SOS1 (SOS Ras/Rac guanine nucleotide exchange factor 1; minus strand). Cytogenetic location: 2p22.1.
Variant type: single nucleotide variant.
Coding change: c.1426G>T on transcript NM_005633.4 (MANE Select); coding-DNA position 1426, G replaced by T.
Protein change: p.Gly476Trp; replaces glycine 476 with tryptophan.
Molecular consequence: missense variant.
Genome position (GRCh38, 1-based): chr2:39,023,002, C>A on the plus strand (G>T on the coding strand, the complement: SOS1 is on the minus strand). VCF-style: chr2-39023002-C-A. GRCh37 (hg19) VCF-style: chr2-39250143-C-A.
Other names: c.1405G>T, p.Gly469Trp (NM_001382394.1); c.1426G>T, p.Gly476Trp (NM_001382395.1); short protein forms G469W, G476W.
Identifiers: ClinVar variation 2813375 (VCV002813375.3), dbSNP rs2529037253, ClinGen allele CA346366196.